The following is an entry in ClinVar:

NM_007294.4(BRCA1):c.1286T>C (p.Ile429Thr)

Gene: BRCA1 (BRCA1 DNA repair associated; minus strand). Cytogenetic location: 17q21.31.
Variant type: single nucleotide variant.
Coding change: c.1286T>C on transcript NM_007294.4 (MANE Select); coding-DNA position 1286, T replaced by C.
Protein change: p.Ile429Thr; replaces isoleucine 429 with threonine.
Molecular consequence: missense variant. On other transcripts: intron variant (137).
Genome position (GRCh38, 1-based): chr17:43,094,245, A>G on the plus strand (T>C on the coding strand, the complement: BRCA1 is on the minus strand). VCF-style: chr17-43094245-A-G. GRCh37 (hg19) VCF-style: chr17-41246262-A-G.
Other names: c.1073T>C, p.Ile358Thr (NM_001407571.1, NM_001407853.1, NM_001407895.1 and 9 more transcripts); c.1286T>C, p.Ile429Thr (NM_001407581.1, NM_001407582.1, NM_001407583.1 and 30 more transcripts); c.1283T>C, p.Ile428Thr (NM_001407587.1, NM_001407590.1, NM_001407591.1 and 22 more transcripts); c.1277T>C, p.Ile426Thr (NM_001407646.1, NM_001407647.1); c.1163T>C, p.Ile388Thr (NM_001407648.1, NM_001407665.1, NM_001407666.1 and 19 more transcripts); c.1160T>C, p.Ile387Thr (NM_001407649.1, NM_001407670.1, NM_001407671.1 and 11 more transcripts); c.1208T>C, p.Ile403Thr (NM_001407653.1, NM_001407654.1, NM_001407655.1 and 4 more transcripts); c.1145T>C, p.Ile382Thr (NM_001407692.1, NM_001407729.1, NM_001407730.1 and 29 more transcripts); and 40 more; short protein forms I429T, I382T, I340T, I359T, I381T, I388T, I261T, I301T.
Identifiers: ClinVar variation 187435 (VCV000187435.27), dbSNP rs775869160, ClinGen allele CA000840.

ClinVar aggregate classification (germline): Conflicting classifications of pathogenicity. Review status: criteria provided, conflicting classifications (1 of 4 stars). 8 submissions from 8 submitters: Uncertain significance (5); Likely benign (3). Last evaluated 2026-01-16.

Conditions:
Hereditary breast ovarian cancer syndrome. Also called: Hereditary breast and ovarian cancer syndrome; Hereditary breast and ovarian cancer syndrome (HBOC); BRCA1- and BRCA2-Associated Hereditary Breast and Ovarian Cancer; Breast and ovarian cancer; Hereditary breast and ovarian cancer; Hereditary breast and/or ovarian cancer syndrome. Identifiers: Orphanet 145, MedGen C0677776, MeSH D061325, MONDO:0003582. Disease mechanism: loss of function.
Familial cancer of breast. Also called: BREAST CANCER, FAMILIAL; Hereditary breast cancer; hereditary breast carcinoma. Identifiers: Orphanet 227535, MedGen C0346153, MONDO:0016419, OMIM 114480. Disease mechanism: loss of function.
Fanconi anemia, complementation group S (FANCS). Identifiers: MedGen C4554406, MONDO:0054748, OMIM 617883.
Breast-ovarian cancer, familial, susceptibility to, 1 (BROVCA1). Also called: OVARIAN CANCER, SUSCEPTIBILITY TO; BRCA1 Hereditary Breast and Ovarian Cancer. Identifiers: Orphanet 145, MedGen C2676676, MONDO:0011450, OMIM 604370. Disease mechanism: loss of function.
Hereditary cancer-predisposing syndrome. Also called: Hereditary Cancer Syndrome; Hereditary neoplastic syndrome; Tumor predisposition; Neoplastic Syndromes, Hereditary. Identifiers: Orphanet 140162, MedGen C0027672, MeSH D009386, MONDO:0015356.

Allele frequency attached by ClinVar (database versions not stated): gnomAD exomes 0.00001; ExAC 0.00002.
gnomAD v4.1: 8 of 1,614,072 alleles (0.0005%); highest among the groups gnomAD compares: African/African-American, 0.0027%; no homozygotes.

Submissions (8):

Labcorp Genetics (formerly Invitae), Labcorp
Classification: Uncertain significance for Hereditary breast ovarian cancer syndrome. Last evaluated: 2026-01-16. Review status: criteria provided, single submitter. Criteria: Invitae Variant Classification Sherloc (09022015). Collection method: clinical testing. Allele origin: germline.
Comment: This sequence change replaces isoleucine, which is neutral and non-polar, with threonine, which is neutral and polar, at codon 429 of the BRCA1 protein (p.Ile429Thr). This variant is present in population databases (rs775869160, gnomAD 0.007%). This variant has not been reported in the literature in individuals affected with BRCA1-related conditions. ClinVar contains an entry for this variant (Variation ID: 187435). Invitae Evidence Modeling of protein sequence and biophysical properties (such as structural, functional, and spatial information, amino acid conservation, physicochemical variation, residue mobility, and thermodynamic stability) indicates that this missense variant is not expected to disrupt BRCA1 protein function with a negative predictive value of 80%. In summary, the available evidence is currently insufficient to determine the role of this variant in disease. Therefore, it has been classified as a Variant of Uncertain Significance.

Department of Pathology and Laboratory Medicine, Sinai Health System
Classification: Likely benign for Familial cancer of breast; Breast-ovarian cancer, familial, susceptibility to, 1; Fanconi anemia, complementation group S. Last evaluated: 2024-04-08. Review status: criteria provided, single submitter. Criteria: ACMG Guidelines, 2015. Collection method: clinical testing. Allele origin: germline. Affected: yes.

Ambry Genetics
Classification: Uncertain significance for Hereditary cancer-predisposing syndrome. Last evaluated: 2024-04-06. Review status: criteria provided, single submitter. Criteria: Ambry Variant Classification Scheme 2023. Collection method: clinical testing. Allele origin: germline.
Comment: The p.I429T variant (also known as c.1286T>C), located in coding exon 9 of the BRCA1 gene, results from a T to C substitution at nucleotide position 1286. The isoleucine at codon 429 is replaced by threonine, an amino acid with similar properties. This amino acid position is not well conserved in available vertebrate species. In addition, the in silico prediction for this alteration is inconclusive. Since supporting evidence is limited at this time, the clinical significance of this alteration remains unclear.

All of Us Research Program, National Institutes of Health
Classification: Uncertain significance for Breast-ovarian cancer, familial, susceptibility to, 1. Last evaluated: 2023-08-15. Review status: criteria provided, single submitter. Criteria: ACMG Guidelines, 2015. Collection method: clinical testing. Allele origin: germline. Inheritance: Autosomal dominant inheritance. Observed: 2 variant alleles, 2 heterozygotes.
Comment: This missense variant replaces isoleucine with threonine at codon 429 of the BRCA1 protein. Computational prediction is inconclusive regarding the impact of this variant on protein structure and function (internally defined REVEL score threshold 0.5 < inconclusive < 0.7, PMID: 27666373). To our knowledge, functional studies have not been reported for this variant. This variant has not been reported in individuals affected with hereditary cancer in the literature. This variant has been identified in 3/250878 chromosomes in the general population by the Genome Aggregation Database (gnomAD). The available evidence is insufficient to determine the role of this variant in disease conclusively. Therefore, this variant is classified as a Variant of Uncertain Significance.

This study involves interpretation of variants in research participants for the purpose of population health screening. Participant phenotype was not available at the time of variant classification. Additional details can be found in publication PMID: 35346344, PMCID: PMC8962531

Color Diagnostics, LLC DBA Color Health
Classification: Uncertain significance for Hereditary cancer-predisposing syndrome. Last evaluated: 2023-08-02. Review status: criteria provided, single submitter. Criteria: ACMG Guidelines, 2015. Collection method: clinical testing. Allele origin: germline.
Comment: This missense variant replaces isoleucine with threonine at codon 429 of the BRCA1 protein. Computational prediction is inconclusive regarding the impact of this variant on protein structure and function (internally defined REVEL score threshold 0.5 < inconclusive < 0.7, PMID: 27666373). To our knowledge, functional studies have not been reported for this variant. This variant has not been reported in individuals affected with hereditary cancer in the literature. This variant has been identified in 3/250878 chromosomes in the general population by the Genome Aggregation Database (gnomAD). The available evidence is insufficient to determine the role of this variant in disease conclusively. Therefore, this variant is classified as a Variant of Uncertain Significance.

University of Washington Department of Laboratory Medicine, University of Washington
Classification: Likely benign for Hereditary cancer-predisposing syndrome. Last evaluated: 2023-03-23. Review status: criteria provided, single submitter. Criteria: Dines et al. (Genet Med. 2020). Collection method: curation. Allele origin: germline.
Comment: Missense variant in a coldspot region where missense variants are very unlikely to be pathogenic (PMID:31911673).

BRCA1 coldspot (exon 11 using historical exon numbering). Reclassification based on statistical prior probability

Blueprint Genetics
Classification: Likely benign. Last evaluated: 2022-08-09. Review status: criteria provided, single submitter. Criteria: ACMG Guidelines, 2015. Collection method: clinical testing. Allele origin: germline.

Quest Diagnostics Nichols Institute San Juan Capistrano
Classification: Uncertain significance. Last evaluated: 2021-05-07. Review status: criteria provided, single submitter. Criteria: Quest Diagnostics criteria. Collection method: clinical testing. Allele origin: unknown.

Literature cited by the submitters: PubMed 33471991 (cited by Department of Pathology and Laboratory Medicine, Sinai Health System); PubMed 32467295 (cited by Quest Diagnostics Nichols Institute San Juan Capistrano).